The following is an entry in ClinVar:

ClinVar aggregate classification (germline): Uncertain significance (1 of 4 stars; one submission).

Submission:

GeneDx
Classification: Uncertain significance. Last evaluated: 2024-06-03. Review status: criteria provided, single submitter. Criteria: GeneDx Variant Classification Process June 2021. Collection method: clinical testing. Allele origin: germline. Affected: yes.
Comment: Not observed at significant frequency in large population cohorts (gnomAD); In silico analysis supports that this missense variant has a deleterious effect on protein structure/function; Has not been previously published as pathogenic or benign to our knowledge

NM_002430.3(MN1):c.136G>T (p.Gly46Cys)

Gene: MN1 (MN1 proto-oncogene, transcriptional regulator; minus strand). Cytogenetic location: 22q12.1.
Variant type: single nucleotide variant.
Coding change: c.136G>T on transcript NM_002430.3 (MANE Select); coding-DNA position 136, G replaced by T.
Protein change: p.Gly46Cys; replaces glycine 46 with cysteine.
Molecular consequence: missense variant.
Genome position (GRCh38, 1-based): chr22:27,800,408, C>A on the plus strand (G>T on the coding strand, the complement: MN1 is on the minus strand). VCF-style: chr22-27800408-C-A. GRCh37 (hg19) VCF-style: chr22-28196396-C-A.
Other names: short protein forms G46C.
Identifiers: ClinVar variation 3384593 (VCV003384593.1).
Genomic context (GRCh38, chr22:27,800,408, plus strand): 5'-CCATGTTCATGCCCAAGATCGGGGGTTCGCCCAGCGCGCTCATAGCAGGATCCACAGGGC[C>A]AGGGGGCCCCCCAGTGTGGAAAGCCGGGGCCTTAAAGTGGGTGTTCATGCTCAGTCCGGT-3'
Protein context (NP_002421.3, residues 36-56): APAFHTGGPP[Gly46Cys]PVDPAMSALG